The following is an entry in ClinVar:

ClinVar aggregate classification (germline): Uncertain significance (1 of 4 stars; one submission).

Conditions:
Glycogen storage disease type III (GSD3). Also called: FORBES DISEASE; Cori disease. Identifiers: Orphanet 366, MedGen C0017922, MONDO:0009291, OMIM 232400.

Submission:

Labcorp Genetics (formerly Invitae), Labcorp
Classification: Uncertain significance for Glycogen storage disease type III. Last evaluated: 2021-08-29. Review status: criteria provided, single submitter. Criteria: Invitae Variant Classification Sherloc (09022015). Collection method: clinical testing. Allele origin: germline.
Comment: In summary, the available evidence is currently insufficient to determine the role of this variant in disease. Therefore, it has been classified as a Variant of Uncertain Significance. This sequence change replaces glutamic acid with alanine at codon 903 of the AGL protein (p.Glu903Ala). The glutamic acid residue is weakly conserved and there is a moderate physicochemical difference between glutamic acid and alanine. This variant is not present in population databases (ExAC no frequency). This variant has not been reported in the literature in individuals affected with AGL-related conditions. Algorithms developed to predict the effect of missense changes on protein structure and function (SIFT, PolyPhen-2, Align-GVGD) all suggest that this variant is likely to be tolerated.

NM_000642.3(AGL):c.2708A>C (p.Glu903Ala)

Gene: AGL (amylo-alpha-1,6-glucosidase and 4-alpha-glucanotransferase; plus strand). Cytogenetic location: 1p21.2.
Variant type: single nucleotide variant.
Coding change: c.2708A>C on transcript NM_000642.3 (MANE Select); coding-DNA position 2708, A replaced by C.
Protein change: p.Glu903Ala; replaces glutamic acid 903 with alanine.
Molecular consequence: missense variant.
Genome position (GRCh38, 1-based): chr1:99,888,004, A>C. VCF-style: chr1-99888004-A-C. GRCh37 (hg19) VCF-style: chr1-100353560-A-C.
Other names: c.2708A>C, p.Glu903Ala (NM_000028.3, NM_000643.3, NM_000644.3 and 2 more transcripts); c.2660A>C, p.Glu887Ala (NM_000646.3); c.2507A>C, p.Glu836Ala (NM_001425327.1); c.2504A>C, p.Glu835Ala (NM_001425328.1); c.2369A>C, p.Glu790Ala (NM_001425329.1); c.2330A>C, p.Glu777Ala (NM_001425332.1); short protein forms E887A, E903A, E777A, E790A, E835A, E836A.
Identifiers: ClinVar variation 1516193 (VCV001516193.6), dbSNP rs2100778892, ClinGen allele CA341322863.